The following is an entry in ClinVar:

ClinVar aggregate classification (germline): Uncertain significance (1 of 4 stars; one submission).

Allele frequency attached by ClinVar (database versions not stated): gnomAD exomes 0.00002; TOPMed 0.00002; gnomAD 0.00004; ExAC 0.00006; ESP Exome Variant Server 0.00008; 1000 Genomes Project 30x 0.00031; 1000 Genomes Project 0.00040.

Submission:

Labcorp Genetics (formerly Invitae), Labcorp
Classification: Uncertain significance. Last evaluated: 2025-01-06. Review status: criteria provided, single submitter. Criteria: Invitae Variant Classification Sherloc (09022015). Collection method: clinical testing. Allele origin: germline.
Comment: This sequence change replaces alanine, which is neutral and non-polar, with serine, which is neutral and polar, at codon 212 of the NKX3-2 protein (p.Ala212Ser). This variant is present in population databases (rs372506158, gnomAD 0.002%). This variant has not been reported in the literature in individuals affected with NKX3-2-related conditions. ClinVar contains an entry for this variant (Variation ID: 1047713). Invitae Evidence Modeling of protein sequence and biophysical properties (such as structural, functional, and spatial information, amino acid conservation, physicochemical variation, residue mobility, and thermodynamic stability) indicates that this missense variant is not expected to disrupt NKX3-2 protein function with a negative predictive value of 80%. In summary, the available evidence is currently insufficient to determine the role of this variant in disease. Therefore, it has been classified as a Variant of Uncertain Significance.

NM_001189.4(NKX3-2):c.634G>T (p.Ala212Ser)

Genes: NKX3-2 (NK3 homeobox 2; minus strand), LOC129992265 (ATAC-STARR-seq lymphoblastoid silent region 15286; plus strand). Cytogenetic location: 4p15.33.
Variant type: single nucleotide variant.
Coding change: c.634G>T on transcript NM_001189.4 (MANE Select); coding-DNA position 634, G replaced by T.
Protein change: p.Ala212Ser; replaces alanine 212 with serine.
Molecular consequence: missense variant.
Genome position (GRCh38, 1-based): chr4:13,542,361, C>A on the plus strand (G>T on the coding strand, the complement: NKX3-2 is on the minus strand). VCF-style: chr4-13542361-C-A. GRCh37 (hg19) VCF-style: chr4-13543985-C-A.
Other names: short protein forms A212S.
Identifiers: ClinVar variation 1047713 (VCV001047713.9), dbSNP rs372506158, ClinGen allele CA2860337.